The following is an entry in ClinVar:

NM_005993.5(TBCD):c.2981C>T (p.Thr994Met)

Gene: TBCD (tubulin folding cofactor D). Cytogenetic location: 17q25.3.
Variant type: single nucleotide variant.
Coding change: c.2981C>T on transcript NM_005993.5 (MANE Select); coding-DNA position 2981, C replaced by T.
Protein change: p.Thr994Met; replaces threonine 994 with methionine.
Molecular consequence: missense variant.
Genome position (GRCh38, 1-based): chr17:82,929,490, C>T. VCF-style: chr17-82929490-C-T. GRCh37 (hg19) VCF-style: chr17-80887366-C-T.
Other names: c.2930C>T, p.Thr977Met (NM_001411101.1); c.2900C>T, p.Thr967Met (NM_001411102.1); short protein forms T967M, T977M, T994M.
Identifiers: ClinVar variation 2428935 (VCV002428935.1), dbSNP rs867484272, ClinGen allele CA295301594.

ClinVar aggregate classification (germline): Uncertain significance (1 of 4 stars; one submission).

Allele frequency attached by ClinVar (database versions not stated): TOPMed below 0.00001; gnomAD 0.00001; gnomAD exomes 0.00001.
gnomAD v4.1: 15 of 1,606,304 alleles (0.00093%); highest among the groups gnomAD compares: Non-Finnish European, 0.0012%; no homozygotes.

Submission:

GeneDx
Classification: Uncertain significance. Last evaluated: 2022-08-03. Review status: criteria provided, single submitter. Criteria: GeneDx Variant Classification Process June 2021. Collection method: clinical testing. Allele origin: germline. Affected: yes.
Comment: In silico analysis supports that this missense variant has a deleterious effect on protein structure/function; Not observed at significant frequency in large population cohorts (gnomAD); This variant is associated with the following publications: (PMID: 27666370, 27807845)